The following is an entry in ClinVar:

NM_004715.5(CTDP1):c.1374C>T (p.Ser458=)

Gene: CTDP1 (CTD phosphatase 1; plus strand). Cytogenetic location: 18q23.
Variant type: single nucleotide variant.
Coding change: c.1374C>T on transcript NM_004715.5 (MANE Select); coding-DNA position 1374, C replaced by T.
Protein change: p.Ser458=; no amino-acid change (serine 458 retained).
Molecular consequence: synonymous variant.
Genome position (GRCh38, 1-based): chr18:79,714,834, C>T. VCF-style: chr18-79714834-C-T. GRCh37 (hg19) VCF-style: chr18-77474834-C-T.
Other names: NC_000018.9:g.77474834C>T; c.1017C>T, p.Ser339= (NM_001202504.1); c.1374C>T, p.Ser458= (NM_001318511.2, NM_048368.4).
Identifiers: ClinVar variation 2578811 (VCV002578811.26), dbSNP rs370568072, ClinGen allele CA9010291.

ClinVar aggregate classification (germline): Likely benign (1 of 4 stars; one submission).

Allele frequency attached by ClinVar (database versions not stated): gnomAD 0.00007; TOPMed 0.00007; ExAC 0.00011; gnomAD exomes 0.00013; ESP Exome Variant Server 0.00015.
gnomAD v4.1: 198 of 1,598,828 alleles (0.012%); highest among the groups gnomAD compares: Non-Finnish European, 0.016%; no homozygotes.

Submissions (2):

CeGaT Center for Human Genetics Tuebingen
Classification: Likely benign. Last evaluated: 2026-05-01. Review status: criteria provided, single submitter. Criteria: CeGaT Center For Human Genetics Tuebingen Variant Classification Criteria Version 2. Collection method: clinical testing. Allele origin: germline. Affected: yes. Observed: 2 variant alleles.
Comment: CTDP1: BP4, BP7

Dr. Peter K. Rogan Lab, Western University
No classification provided (evidence only). Condition: Hepatocellular carcinoma. Review status: no classification provided. Collection method: in vitro. Allele origin: not applicable. Functional consequence: retained intron. Not counted in ClinVar's aggregate classification.